The following is an entry in ClinVar:

ClinVar aggregate classification (germline): Likely benign. Review status: criteria provided, multiple submitters, no conflicts (2 of 4 stars). 2 submissions from 2 submitters: Likely benign (2). Last evaluated 2022-01-31.

Conditions:
Duchenne muscular dystrophy (DMD). Also called: MUSCULAR DYSTROPHY, PSEUDOHYPERTROPHIC PROGRESSIVE, DUCHENNE TYPE; Duchenne Muscular Dystrophy (DMD). Identifiers: Orphanet 98896, MedGen C0013264, MONDO:0010679, OMIM 310200.

Submissions (2):

Labcorp Genetics (formerly Invitae), Labcorp
Classification: Likely benign for Duchenne muscular dystrophy. Last evaluated: 2022-01-31. Review status: criteria provided, single submitter. Criteria: Invitae Variant Classification Sherloc (09022015). Collection method: clinical testing. Allele origin: germline.

GeneDx
Classification: Likely benign. Last evaluated: 2016-07-27. Review status: criteria provided, single submitter. Criteria: GeneDx Variant Classification (06012015). Collection method: clinical testing. Allele origin: germline. Affected: yes.
Comment: This variant is considered likely benign or benign based on one or more of the following criteria: it is a conservative change, it occurs at a poorly conserved position in the protein, it is predicted to be benign by multiple in silico algorithms, and/or has population frequency not consistent with disease.

NM_004006.3(DMD):c.6118-4A>G

Gene: DMD (dystrophin; minus strand). Cytogenetic location: Xp21.1.
Variant type: single nucleotide variant.
Coding change: c.6118-4A>G on transcript NM_004006.3 (MANE Select); 4 bases into the intron before coding-DNA position 6118, A replaced by G.
Molecular consequence: intron variant.
Genome position (GRCh38, 1-based): chrX:32,287,705, T>C on the plus strand (A>G on the coding strand, the complement: DMD is on the minus strand). VCF-style: chrX-32287705-T-C. GRCh37 (hg19) VCF-style: chrX-32305822-T-C.
Other names: c.6094-4A>G (NM_000109.4); c.2095-4A>G (NM_004011.4); c.2086-4A>G (NM_004012.4); c.6106-4A>G (NM_004009.3); c.5749-4A>G (NM_004010.3).
Identifiers: ClinVar variation 387951 (VCV000387951.6), dbSNP rs1057522959, ClinGen allele CA16608839.